The following is an entry in ClinVar:

NM_006648.4(WNK2):c.5434G>A (p.Glu1812Lys)

Gene: WNK2 (WNK lysine deficient protein kinase 2; plus strand). Cytogenetic location: 9q22.31.
Variant type: single nucleotide variant.
Coding change: c.5434G>A on transcript NM_006648.4 (MANE Select); coding-DNA position 5434, G replaced by A.
Protein change: p.Glu1812Lys; replaces glutamic acid 1812 with lysine.
Molecular consequence: missense variant.
Genome position (GRCh38, 1-based): chr9:93,292,899, G>A. VCF-style: chr9-93292899-G-A. GRCh37 (hg19) VCF-style: chr9-96055181-G-A.
Other names: c.5545G>A, p.Glu1849Lys (NM_001282394.3); short protein forms E1849K, E1812K.
Identifiers: ClinVar variation 3816666 (VCV003816666.1).

ClinVar aggregate classification (germline): Uncertain significance (1 of 4 stars; one submission).

gnomAD v4.1: 6 of 1,520,710 alleles (0.00039%); highest among the groups gnomAD compares: East Asian, 0.0023%; no homozygotes.

Submission:

Ambry Genetics
Classification: Uncertain significance. Last evaluated: 2024-12-29. Review status: criteria provided, single submitter. Criteria: Ambry Variant Classification Scheme 2023. Collection method: clinical testing. Allele origin: germline.
Comment: The p.E1812K variant (also known as c.5434G>A), located in coding exon 22 of the WNK2 gene, results from a G to A substitution at nucleotide position 5434. The glutamic acid at codon 1812 is replaced by lysine, an amino acid with similar properties. This amino acid position is conserved. In addition, the in silico prediction for this alteration is inconclusive. Based on the available evidence, the clinical significance of this variant remains unclear.